The following is an entry in ClinVar:

NC_000007.13:g.(?_105172763)_(105189167_?)del

Gene: RINT1 (RAD50 interactor 1; plus strand). Cytogenetic location: 7q22.3.
Variant type: Deletion.
Identifiers: ClinVar variation 3245925 (VCV003245925.1).

ClinVar aggregate classification (germline): Pathogenic (1 of 4 stars; one submission).

Submission:

Labcorp Genetics (formerly Invitae), Labcorp
Classification: Pathogenic. Last evaluated: 2023-04-05. Review status: criteria provided, single submitter. Criteria: Invitae Variant Classification Sherloc (09022015). Collection method: clinical testing. Allele origin: unknown.
Comment: For these reasons, this variant has been classified as Pathogenic. This variant has not been reported in the literature in individuals affected with RINT1-related conditions. This variant is a gross deletion of the genomic region encompassing exon(s) 1-7 of the RINT1 gene, which includes the initiator codon. This deletion extends beyond the assayed region for this gene and therefore may encompass additional genes. It is expected to result in an absent or disrupted protein product. Loss-of-function variants in RINT1 are known to be pathogenic (PMID: 31204009).

Literature cited by the submitters: PubMed 31204009.